The following is an entry in ClinVar:

ClinVar aggregate classification (germline): Likely benign. Review status: criteria provided, multiple submitters, no conflicts (2 of 4 stars). 3 submissions from 3 submitters: Likely benign (3). Last evaluated 2025-09-10.

Conditions:
Neurofibromatosis, type 2 (SWNV). Also called: SCHWANNOMATOSIS, VESTIBULAR; BILATERAL ACOUSTIC NEUROFIBROMATOSIS; NF2-Related Schwannomatosis. Identifiers: Orphanet 637, MedGen C0027832, MONDO:0007039, OMIM 101000. Disease mechanism: loss of function.
Hereditary cancer-predisposing syndrome. Also called: Tumor predisposition; Hereditary Cancer Syndrome; Hereditary neoplastic syndrome; Neoplastic Syndromes, Hereditary. Identifiers: Orphanet 140162, MedGen C0027672, MeSH D009386, MONDO:0015356.

Allele frequency attached by ClinVar (database versions not stated): gnomAD exomes below 0.00001.
gnomAD v4.1: 1 of 1,614,134 alleles (0.000062%); highest among the groups gnomAD compares: Non-Finnish European, 0.000085%; no homozygotes.

Submissions (3):

Ambry Genetics
Classification: Likely benign for Hereditary cancer-predisposing syndrome. Last evaluated: 2025-09-10. Review status: criteria provided, single submitter. Criteria: Ambry Variant Classification Scheme 2023. Collection method: clinical testing. Allele origin: germline.

All of Us Research Program, National Institutes of Health
Classification: Likely benign for Neurofibromatosis, type 2. Last evaluated: 2022-12-27. Review status: criteria provided, single submitter. Criteria: ACMG Guidelines, 2015. Collection method: clinical testing. Allele origin: germline. Inheritance: Autosomal dominant inheritance. Observed: 1 variant allele, 1 heterozygote.
Comment: This study involves interpretation of variants in research participants for the purpose of population health screening. Participant phenotype was not available at the time of variant classification. Additional details can be found in publication PMID: 35346344, PMCID: PMC8962531

Labcorp Genetics (formerly Invitae), Labcorp
Classification: Likely benign for Neurofibromatosis, type 2. Last evaluated: 2021-10-04. Review status: criteria provided, single submitter. Criteria: Invitae Variant Classification Sherloc (09022015). Collection method: clinical testing. Allele origin: germline.

NM_000268.4(NF2):c.1644C>T (p.Ala548=)

Gene: NF2 (NF2, moesin-ezrin-radixin like (MERLIN) tumor suppressor; plus strand). Cytogenetic location: 22q12.2.
Variant type: single nucleotide variant.
Coding change: c.1644C>T on transcript NM_000268.4 (MANE Select); coding-DNA position 1644, C replaced by T.
Protein change: p.Ala548=; no amino-acid change (alanine 548 retained).
Molecular consequence: synonymous variant. On other transcripts: non-coding transcript variant (1), intron variant (1).
Genome position (GRCh38, 1-based): chr22:29,681,508, C>T. VCF-style: chr22-29681508-C-T. GRCh37 (hg19) VCF-style: chr22-30077497-C-T.
Other names: c.1644C>T, p.Ala548= (NM_016418.5, NM_181825.3, NM_181832.3); c.1518C>T, p.Ala506= (NM_181828.3); c.1521C>T, p.Ala507= (NM_181829.3); c.1395C>T, p.Ala465= (NM_181830.3, NM_181831.3); c.448-13244C>T (NM_181833.3); c.1644C>T (NM_000268.3).
Identifiers: ClinVar variation 1624767 (VCV001624767.10), dbSNP rs2147122941, ClinGen allele CA514190473.